The following is an entry in ClinVar:

ClinVar aggregate classification (germline): Likely benign. Review status: criteria provided, multiple submitters, no conflicts (2 of 4 stars). 2 submissions from 2 submitters: Likely benign (2). Last evaluated 2025-10-01.

Allele frequency attached by ClinVar (database versions not stated): gnomAD exomes 0.00001 and 0.00002; TOPMed 0.00001; ExAC 0.00002; gnomAD 0.00002; ESP Exome Variant Server 0.00008.
gnomAD v4.1: 10 of 1,614,034 alleles (0.00062%); highest among the groups gnomAD compares: Non-Finnish European, 0.00068%; no homozygotes.

Submissions (2):

CeGaT Center for Human Genetics Tuebingen
Classification: Likely benign. Last evaluated: 2025-10-01. Review status: criteria provided, single submitter. Criteria: CeGaT Center For Human Genetics Tuebingen Variant Classification Criteria Version 2. Collection method: clinical testing. Allele origin: germline. Affected: yes. Observed: 1 variant allele.
Comment: KCNH1: BP4, BS2

Labcorp Genetics (formerly Invitae), Labcorp
Classification: Likely benign. Last evaluated: 2025-05-22. Review status: criteria provided, single submitter. Criteria: Invitae Variant Classification Sherloc (09022015). Collection method: clinical testing. Allele origin: germline.

NM_172362.3(KCNH1):c.1110C>T (p.His370=)

Gene: KCNH1 (potassium voltage-gated channel subfamily H member 1; minus strand). Cytogenetic location: 1q32.2.
Variant type: single nucleotide variant.
Coding change: c.1110C>T on transcript NM_172362.3 (MANE Select); coding-DNA position 1110, C replaced by T.
Protein change: p.His370=; no amino-acid change (histidine 370 retained).
Molecular consequence: synonymous variant.
Genome position (GRCh38, 1-based): chr1:210,919,992, G>A on the plus strand (C>T on the coding strand, the complement: KCNH1 is on the minus strand). VCF-style: chr1-210919992-G-A. GRCh37 (hg19) VCF-style: chr1-211093334-G-A.
Other names: c.1029C>T, p.His343= (NM_002238.4).
Identifiers: ClinVar variation 1566907 (VCV001566907.14), dbSNP rs146308514, ClinGen allele CA1379914.